The following is an entry in ClinVar:

NM_172250.3(MMAA):c.325G>T (p.Glu109Ter)

Gene: MMAA (metabolism of cobalamin associated A; plus strand). Cytogenetic location: 4q31.21.
Variant type: single nucleotide variant.
Coding change: c.325G>T on transcript NM_172250.3 (MANE Select); coding-DNA position 325, G replaced by T.
Protein change: p.Glu109Ter; replaces glutamic acid 109 with a stop codon.
Molecular consequence: nonsense.
Genome position (GRCh38, 1-based): chr4:145,639,464, G>T. VCF-style: chr4-145639464-G-T. GRCh37 (hg19) VCF-style: chr4-146560616-G-T.
Other names: c.325G>T, p.Glu109Ter (NM_001375644.1); short protein forms E109*.
Identifiers: ClinVar variation 2849547 (VCV002849547.3), dbSNP rs2546335813, ClinGen allele CA358352903.

ClinVar aggregate classification (germline): Pathogenic (1 of 4 stars; one submission).

Conditions:
Methylmalonic aciduria, cblA type (MACA). Also called: Methylmalonic aciduria, vitamin b12-responsive, due to defect in synthesis of adenosylcobalamin, cbla complementation type; MMA cbl A type; Methylmalonic acidemia cblA type; Methylmalonic aciduria, vitamin B12-responsive; Vitamin B12-responsive methylmalonic acidemia type cblA. Identifiers: Orphanet 28, Orphanet 79310, MedGen C1855109, MONDO:0009613, OMIM 251100.

Submission:

Labcorp Genetics (formerly Invitae), Labcorp
Classification: Pathogenic for Methylmalonic aciduria, cblA type. Last evaluated: 2023-03-26. Review status: criteria provided, single submitter. Criteria: Invitae Variant Classification Sherloc (09022015). Collection method: clinical testing. Allele origin: germline.
Comment: For these reasons, this variant has been classified as Pathogenic. This variant has not been reported in the literature in individuals affected with MMAA-related conditions. This variant is not present in population databases (gnomAD no frequency). This sequence change creates a premature translational stop signal (p.Glu109*) in the MMAA gene. It is expected to result in an absent or disrupted protein product. Loss-of-function variants in MMAA are known to be pathogenic (PMID: 15523652, 15781192).

Literature cited by the submitters: PubMed 15523652; PubMed 15781192.